The following is an entry in ClinVar:

ClinVar aggregate classification (germline): Conflicting classifications of pathogenicity. Review status: criteria provided, conflicting classifications (1 of 4 stars). 5 submissions from 5 submitters: Uncertain significance (1); Benign (1); Likely benign (3). Last evaluated 2026-01-19.

Conditions:
Hereditary cancer-predisposing syndrome. Also called: Neoplastic Syndromes, Hereditary; Hereditary neoplastic syndrome; Hereditary Cancer Syndrome; Tumor predisposition. Identifiers: Orphanet 140162, MedGen C0027672, MeSH D009386, MONDO:0015356.
Juvenile polyposis syndrome (JPS). Identifiers: Orphanet 2929, MedGen C0345893, MONDO:0017380, OMIM 174900.
Familial thoracic aortic aneurysm and aortic dissection (TAAD). Also called: Thoracic aortic aneurysms and dissections. Identifiers: Orphanet 91387, MedGen C4707243, MONDO:0019625.
Juvenile polyposis/hereditary hemorrhagic telangiectasia syndrome (JPHT). Also called: JP/HHT SYNDROME; JUVENILE POLYPOSIS WITH HEREDITARY HEMORRHAGIC TELANGIECTASIA; POLYPOSIS, GENERALIZED JUVENILE, WITH PULMONARY ARTERIOVENOUS MALFORMATION; TELANGIECTASIA, HEREDITARY HEMORRHAGIC, WITH JUVENILE POLYPOSIS COLI; Juvenile Polyposis Syndrome / Hereditary Hemorrhagic Telangiectasia (JPS/HHT). Identifiers: Orphanet 2929, MedGen C1832942, MONDO:0008278, OMIM 175050.

Submissions (5):

Labcorp Genetics (formerly Invitae), Labcorp
Classification: Likely benign for Juvenile polyposis syndrome. Last evaluated: 2026-01-19. Review status: criteria provided, single submitter. Criteria: Invitae Variant Classification Sherloc (09022015). Collection method: clinical testing. Allele origin: germline.

Myriad Genetics, Inc.
Classification: Benign for Juvenile polyposis/hereditary hemorrhagic telangiectasia syndrome. Last evaluated: 2025-03-19. Review status: criteria provided, single submitter. Criteria: Myriad Autosomal Dominant, Autosomal Recessive and X-Linked Classification Criteria (2023). Collection method: clinical testing. Allele origin: unknown.
Comment: This variant is considered benign. This variant is a silent/synonymous amino acid change and it is not expected to impact splicing.

Color Diagnostics, LLC DBA Color Health
Classification: Likely benign for Hereditary cancer-predisposing syndrome. Last evaluated: 2021-08-23. Review status: criteria provided, single submitter. Criteria: ACMG Guidelines, 2015. Collection method: clinical testing. Allele origin: germline.

GeneDx
Classification: Uncertain significance. Last evaluated: 2020-06-02. Review status: criteria provided, single submitter. Criteria: GeneDx Variant Classification Process June 2021. Collection method: clinical testing. Allele origin: germline. Affected: yes.
Comment: Not observed in large population cohorts (Lek et al., 2016); In silico analysis supports that this variant does not alter splicing; Has not been previously published as pathogenic or benign to our knowledge

Ambry Genetics
Classification: Likely benign for Hereditary cancer-predisposing syndrome; Familial thoracic aortic aneurysm and aortic dissection. Last evaluated: 2019-09-18. Review status: criteria provided, single submitter. Criteria: Ambry Variant Classification Scheme 2023. Collection method: clinical testing. Allele origin: germline.

NM_005359.6(SMAD4):c.645C>T (p.Pro215=)

Gene: SMAD4 (SMAD family member 4; plus strand). Cytogenetic location: 18q21.2.
Variant type: single nucleotide variant.
Coding change: c.645C>T on transcript NM_005359.6 (MANE Select); coding-DNA position 645, C replaced by T.
Protein change: p.Pro215=; no amino-acid change (proline 215 retained).
Molecular consequence: synonymous variant.
Genome position (GRCh38, 1-based): chr18:51,054,971, C>T. VCF-style: chr18-51054971-C-T. GRCh37 (hg19) VCF-style: chr18-48581341-C-T.
Identifiers: ClinVar variation 826417 (VCV000826417.19), dbSNP rs1599187076, ClinGen allele CA503873790.